The following is an entry in ClinVar:

ClinVar aggregate classification (germline): Likely pathogenic (1 of 4 stars; one submission).

Conditions:
Aarskog syndrome (AAS). Also called: Aarskog Scott syndrome; Aarskog disease; FGD1-Related Faciogenital Dysplasia (Aarskog-Scott Syndrome); Aarskog-Scott syndrome, X-linked; FGDY. Identifiers: Orphanet 915, MedGen C0175701, MONDO:0010589, OMIM 305400.

Submission:

Victorian Clinical Genetics Services, Murdoch Childrens Research Institute
Classification: Likely pathogenic for Aarskog syndrome. Last evaluated: 2026-01-22. Review status: criteria provided, single submitter. Criteria: ACMG Guidelines, 2015. Collection method: clinical testing. Allele origin: germline. Affected: yes.
Comment: This variant is classified as Likely pathogenic. Evidence in support of pathogenic classification: Non-coding variant with known effect. RNA-seq studies performed on patient cells demonstrates that this variant results in the inclusion of a pseudoexon and a premature stop codon, predicted to result in nonsense mediated decay (NMD) which is supported by the decreased RNA expression compared to controls (RNA sequencing analysis in a research setting). However, studies using cycloheximide to inhibit NMD were not performed; Variant is absent from gnomAD (v2, v3 and v4); Other NMD-predicted variant(s) comparable to the one identified in this case have strong previous evidence for pathogenicity (DECIPHER). Additional information: This variant is hemizygous; This gene is associated with X-linked recessive disease. Heterozygous females can present with some features of the condition if X-inactivation is skewed (OMIM); This variant has no previous evidence of pathogenicity; Loss of function is a known mechanism of disease in this gene and is associated with Aarskog-Scott syndrome (MIM#305400).

NM_004463.3(FGD1):c.1637-679G>A

Gene: FGD1 (FYVE, RhoGEF and PH domain containing 1; minus strand). Cytogenetic location: Xp11.22.
Variant type: single nucleotide variant.
Coding change: c.1637-679G>A on transcript NM_004463.3 (MANE Select); 679 bases into the intron before coding-DNA position 1637, G replaced by A.
Molecular consequence: intron variant.
Genome position (GRCh38, 1-based): chrX:54,457,246, C>T on the plus strand (G>A on the coding strand, the complement: FGD1 is on the minus strand). VCF-style: chrX-54457246-C-T. GRCh37 (hg19) VCF-style: chrX-54483679-C-T.
Identifiers: ClinVar variation 4819052 (VCV004819052.1).
Genomic context (GRCh38, chrX:54,457,246, plus strand): 5'-CTCTGGTTGGTGGGGCCGTGGGTGGTTTTTATTGTCTTCTTTAGGTTTTTCTGTATTTTC[C>T]GTATTTTTGACAAAGAACATGTATTACTTTTATAATCAGAAAAAGCCATATAAAGAAACA-3'